The following is an entry in ClinVar:

NM_000748.3(CHRNB2):c.448A>G (p.Ile150Val)

Gene: CHRNB2 (cholinergic receptor nicotinic beta 2 subunit; plus strand). Cytogenetic location: 1q21.3.
Variant type: single nucleotide variant.
Coding change: c.448A>G on transcript NM_000748.3 (MANE Select); coding-DNA position 448, A replaced by G.
Protein change: p.Ile150Val; replaces isoleucine 150 with valine.
Molecular consequence: missense variant.
Genome position (GRCh38, 1-based): chr1:154,571,271, A>G. VCF-style: chr1-154571271-A-G. GRCh37 (hg19) VCF-style: chr1-154543747-A-G.
Other names: short protein forms I150V.
Identifiers: ClinVar variation 580397 (VCV000580397.8), dbSNP rs1557851437, ClinGen allele CA342630043.
Genomic context (GRCh38, chr1:154,571,271, plus strand): 5'-TCCTTCTATTCCAATGCCGTGGTCTCCTATGATGGCAGCATCTTCTGGCTGCCGCCTGCC[A>G]TCTACAAGAGCGCATGCAAGATTGAAGTAAAGCACTTCCCATTTGACCAGCAGAACTGCA-3'
Protein context (NP_000739.1, residues 140-160): DGSIFWLPPA[Ile150Val]YKSACKIEVK

ClinVar aggregate classification (germline): Uncertain significance (1 of 4 stars; one submission).

Conditions:
Familial sleep-related hypermotor epilepsy. Also called: Autosomal Dominant Sleep-Related Hypermotor (Hyperkinetic) Epilepsy. Identifiers: Orphanet 98784, MedGen C3696898, MONDO:0000030.

Submission:

Labcorp Genetics (formerly Invitae), Labcorp
Classification: Uncertain significance. Last evaluated: 2018-03-18. Review status: criteria provided, single submitter. Criteria: Invitae Variant Classification Sherloc (09022015). Collection method: clinical testing. Allele origin: germline.
Comment: In summary, the available evidence is currently insufficient to determine the role of this variant in disease. Therefore, it has been classified as a Variant of Uncertain Significance. Algorithms developed to predict the effect of missense changes on protein structure and function do not agree on the potential impact of this missense change (SIFT: "Tolerated"; PolyPhen-2: "Possibly Damaging"; Align-GVGD: "Class C0"). This variant has not been reported in the literature in individuals with CHRNB2-related disease. This variant is not present in population databases (ExAC no frequency). This sequence change replaces isoleucine with valine at codon 150 of the CHRNB2 protein (p.Ile150Val). The isoleucine residue is highly conserved and there is a small physicochemical difference between isoleucine and valine.